The following is an entry in ClinVar:

ClinVar aggregate classification (germline): Pathogenic (1 of 4 stars; one submission).

Conditions:
Hereditary spastic paraplegia 11. Also called: Spastic Paraplegia 11; Spastic paraplegia, mental retardation and thin corpus callosum; Nakamura Osame syndrome; Autosomal recessive hereditary spastic paraplegia, mental impairment, and thin corpus callosum; SPASTIC PARAPLEGIA, AUTOSOMAL RECESSIVE, COMPLICATED, WITH THIN CORPUS CALLOSUM; SPASTIC PARAPLEGIA, AUTOSOMAL RECESSIVE, WITH MENTAL IMPAIRMENT AND THIN CORPUS CALLOSUM. Identifiers: Orphanet 2822, MedGen C1858479, MONDO:0011445, OMIM 604360.

Allele frequency attached by ClinVar (database versions not stated): TOPMed below 0.00001.

Submission:

Labcorp Genetics (formerly Invitae), Labcorp
Classification: Pathogenic for Hereditary spastic paraplegia 11. Last evaluated: 2023-05-09. Review status: criteria provided, single submitter. Criteria: Invitae Variant Classification Sherloc (09022015). Collection method: clinical testing. Allele origin: germline.
Comment: For these reasons, this variant has been classified as Pathogenic. This variant has not been reported in the literature in individuals affected with SPG11-related conditions. This variant is not present in population databases (gnomAD no frequency). This sequence change creates a premature translational stop signal (p.Trp1176*) in the SPG11 gene. It is expected to result in an absent or disrupted protein product. Loss-of-function variants in SPG11 are known to be pathogenic (PMID: 19105190, 20110243, 22154821, 26556829).

Literature cited by the submitters: PubMed 19105190; PubMed 20110243; PubMed 22154821; PubMed 26556829.

NM_025137.4(SPG11):c.3527G>A (p.Trp1176Ter)

Gene: SPG11 (SPG11 vesicle trafficking associated, spatacsin; minus strand). Cytogenetic location: 15q21.1.
Variant type: single nucleotide variant.
Coding change: c.3527G>A on transcript NM_025137.4 (MANE Select); coding-DNA position 3527, G replaced by A.
Protein change: p.Trp1176Ter; replaces tryptophan 1176 with a stop codon.
Molecular consequence: nonsense.
Genome position (GRCh38, 1-based): chr15:44,600,626, C>T on the plus strand (G>A on the coding strand, the complement: SPG11 is on the minus strand). VCF-style: chr15-44600626-C-T. GRCh37 (hg19) VCF-style: chr15-44892824-C-T.
Other names: c.3527G>A, p.Trp1176Ter (NM_001160227.2, NM_001411132.1); short protein forms W1176*.
Identifiers: ClinVar variation 2862969 (VCV002862969.3), dbSNP rs2083161364, ClinGen allele CA392231360.